The following is an entry in ClinVar:

ClinVar aggregate classification (germline): Uncertain significance (1 of 4 stars; one submission).

Conditions:
Myoclonic dystonia 26. Identifiers: MedGen C4225341, MONDO:0014620, OMIM 616398.

Allele frequency attached by ClinVar (database versions not stated): gnomAD exomes below 0.00001 and 0.00001; TOPMed below 0.00001; ExAC 0.00001; ESP Exome Variant Server 0.00008.
gnomAD v4.1: 1 of 1,599,296 alleles (0.000063%); highest among the groups gnomAD compares: African/African-American, 0.0013%; no homozygotes.

Submission:

Labcorp Genetics (formerly Invitae), Labcorp
Classification: Uncertain significance for Myoclonic dystonia 26. Last evaluated: 2021-07-07. Review status: criteria provided, single submitter. Criteria: Invitae Variant Classification Sherloc (09022015). Collection method: clinical testing. Allele origin: germline.
Comment: This sequence change replaces proline with alanine at codon 293 of the KCTD17 protein (p.Pro293Ala). The proline residue is weakly conserved and there is a small physicochemical difference between proline and alanine. This variant is present in population databases (rs371676360, ExAC 0.01%). This variant has not been reported in the literature in individuals affected with KCTD17-related conditions. Algorithms developed to predict the effect of missense changes on protein structure and function are either unavailable or do not agree on the potential impact of this missense change (SIFT: "Deleterious"; PolyPhen-2: "Benign"; Align-GVGD: "Class C0"). In summary, the available evidence is currently insufficient to determine the role of this variant in disease. Therefore, it has been classified as a Variant of Uncertain Significance.

NM_001282684.2(KCTD17):c.856C>G (p.Pro286Ala)

Gene: KCTD17 (potassium channel tetramerization domain containing 17; plus strand). Cytogenetic location: 22q12.3.
Variant type: single nucleotide variant.
Coding change: c.856C>G on transcript NM_001282684.2 (MANE Select); coding-DNA position 856, C replaced by G.
Protein change: p.Pro286Ala; replaces proline 286 with alanine.
Molecular consequence: missense variant. On other transcripts: 3 prime UTR variant (1), intron variant (1).
Genome position (GRCh38, 1-based): chr22:37,061,610, C>G. VCF-style: chr22-37061610-C-G. GRCh37 (hg19) VCF-style: chr22-37457650-C-G.
Other names: c.*27C>G (NM_001282685.2); c.784C>G, p.Pro262Ala (NM_024681.4); c.613-915C>G (NM_001282686.2); short protein forms P262A, P286A.
Identifiers: ClinVar variation 1512543 (VCV001512543.8), dbSNP rs371676360, ClinGen allele CA10215168.